The following is an entry in ClinVar:

ClinVar aggregate classification (germline): Uncertain significance (1 of 4 stars; one submission).

gnomAD v4.1: 6 of 1,551,444 alleles (0.00039%); highest among the groups gnomAD compares: Admixed American, 0.0078%; no homozygotes.

Submission:

GeneDx
Classification: Uncertain significance. Last evaluated: 2025-04-18. Review status: criteria provided, single submitter. Criteria: GeneDx Variant Classification Process June 2021. Collection method: clinical testing. Allele origin: germline. Affected: yes.
Comment: Not observed at significant frequency in large population cohorts (gnomAD); In silico analysis indicates that this missense variant does not alter protein structure/function; Has not been previously published as pathogenic or benign to our knowledge

NM_001142285.2(RPS24):c.704C>T (p.Pro235Leu)

Gene: RPS24 (ribosomal protein S24; plus strand). Cytogenetic location: 10q22.3.
Variant type: single nucleotide variant.
Coding change: c.704C>T on transcript NM_001142285.2; coding-DNA position 704, C replaced by T.
Protein change: p.Pro235Leu; replaces proline 235 with leucine.
Molecular consequence: missense variant.
Genome position (GRCh38, 1-based): chr10:78,054,844, C>T. VCF-style: chr10-78054844-C-T. GRCh37 (hg19) VCF-style: chr10-79814602-C-T.
Other names: short protein forms P235L.
Identifiers: ClinVar variation 4282157 (VCV004282157.1).